The following continues an entry in ClinVar:

NM_000492.4(CFTR):c.617T>G (p.Leu206Trp)

Gene: CFTR. ClinVar aggregate classification (germline): Pathogenic; drug response. Pathogenic (1).

Submissions 10 to 24 of 33:

ARUP Laboratories, Molecular Genetics and Genomics, ARUP Laboratories
Classification: Pathogenic for Cystic fibrosis. Last evaluated: 2025-01-27. Review status: criteria provided, single submitter. Criteria: ARUP Molecular Germline Variant Investigation Process 2024. Collection method: clinical testing. Allele origin: germline. Not counted in ClinVar's aggregate classification.
Comment: The CFTR c.617T>G; p.Leu206Trp variant (rs121908752) is reported in the literature in individuals affected with a pancreatic-sufficient form of cystic fibrosis (Bernardino 2000, Clain 2005, de Garcia 2005, Gallati 2009, Ooi 2012, Sosnay 2013, CFTR2 database). Functional characterization of the variant indicates defects in processing and maturation of the CFTR protein (Clain 2005, Sosnay 2013, van Goor 2014). This variant is reported as pathogenic by multiple laboratories in ClinVar (Variation ID: 7190), and is found in the general population with an overall allele frequency of 0.018% (51/282,838 alleles) in the Genome Aggregation Database. The leucine at codon 206 is highly conserved, and computational analyses predict that this variant is deleterious (REVEL: 0.903). Based on available information, the p.Leu206Trp variant is considered to be pathogenic. REFERENCES CFTR2 database: Bernardino A et al. Molecular analysis in Brazilian cystic fibrosis patients reveals five novel mutations. Genet Test. 2000; 4(1):69-74. PMID: 10794365 Clain J et al. Misprocessing of the CFTR protein leads to mild cystic fibrosis phenotype. Hum Mutat. 2005; 25(4):360-71. PMID: 15776432 de Garcia J et al. Genotype-phenotype correlation for pulmonary function in cystic fibrosis. Thorax. 2005; 60(7):558-63. PMID: 15994263 Gallati S et al. Cystic fibrosis transmembrane conductance regulator mutations in azoospermic and oligospermic men and their partners. Reprod Biomed Online. 2009 Nov;19(5):685-94. PMID: 20021716 Ooi C. et al. Cystic fibrosis transmembrane conductance regulator (CFTR) gene mutations in pancreatitis. J Cyst Fibros. 2012; 11(5):355-62. PMID: 22658665 Sosnay PR et al. Defining the disease liability of variants in the cystic fibrosis transmembrane conductance regulator gene. 2013; Nat Genet. 45(10):1160-7. PMID: 23974870 Van Goor F et al. Effect of ivacaftor on CFTR forms with missense mutations associated with defects in protein processing or function. J Cyst Fibros. 2014; 13(1):29-36. PMID: 23891399

Blueprint Genetics
Classification: Pathogenic for CFTR-related disorders. Last evaluated: 2024-10-25. Review status: criteria provided, single submitter. Criteria: ACMG Guidelines, 2015. Collection method: clinical testing. Allele origin: germline. Affected: yes. Observed: 5 variant alleles. Not counted in ClinVar's aggregate classification.

Ambry Genetics
Classification: Pathogenic for Cystic fibrosis. Last evaluated: 2024-10-11. Review status: criteria provided, single submitter. Criteria: Ambry Variant Classification Scheme 2023. Collection method: clinical testing. Allele origin: germline. Not counted in ClinVar's aggregate classification.
Comment: The c.617T>G (p.L206W) alteration is located in exon 6 (coding exon 6) of the CFTR gene. This alteration results from a T to G substitution at nucleotide position 617, causing the leucine (L) at amino acid position 206 to be replaced by a tryptophan (W). Based on data from gnomAD, the G allele has an overall frequency of 0.018% (51/282838) total alleles studied. The highest observed frequency was 0.054% (19/35436) of Latino alleles. This mutation has been described in multiple patients with a second mutation confirmed in trans; the majority have pancreatic sufficient cystic fibrosis with intermediate to high sweat chloride levels (Sosnay, 2013). This mutation has also been seen in conjunction with another pathogenic mutation in individuals with CFTR-related disorders, including pancreatitis and congenital absence of the vas deferens (Masson, 2013; Lucarelli, 2015; Thomas, 2017). This amino acid position is highly conserved in available vertebrate species. An in vitro assay showed that this mutation results in reduced post-translational processing of the CFTR protein into its mature form (Clain, 2005). This alteration is predicted to be deleterious by in silico analysis. Based on the available evidence, this alteration is classified as pathogenic.

CeGaT Center for Human Genetics Tuebingen
Classification: Pathogenic. Last evaluated: 2024-10-01. Review status: criteria provided, single submitter. Criteria: CeGaT Center For Human Genetics Tuebingen Variant Classification Criteria Version 2. Collection method: clinical testing. Allele origin: germline. Affected: yes. Observed: 3 variant alleles. Not counted in ClinVar's aggregate classification.
Comment: CFTR: PM3:Very Strong, PS3:Very Strong, PM1, PM2, PP3

Baylor Genetics
Classification: Pathogenic for Bronchiectasis with or without elevated sweat chloride 1. Last evaluated: 2024-03-30. Review status: criteria provided, single submitter. Criteria: ACMG Guidelines, 2015. Collection method: clinical testing. Allele origin: unknown. Not counted in ClinVar's aggregate classification.

Fulgent Genetics
Classification: Pathogenic for Hereditary pancreatitis; Bronchiectasis with or without elevated sweat chloride 1; Cystic fibrosis; Congenital bilateral aplasia of vas deferens from CFTR mutation. Last evaluated: 2024-03-20. Review status: criteria provided, single submitter. Criteria: ACMG Guidelines, 2015. Collection method: clinical testing. Allele origin: germline. Not counted in ClinVar's aggregate classification.

Mayo Clinic Laboratories, Mayo Clinic
Classification: Pathogenic. Last evaluated: 2023-10-18. Review status: criteria provided, single submitter. Criteria: ACMG Guidelines, 2015. Collection method: clinical testing. Allele origin: germline. Not counted in ClinVar's aggregate classification.

Genome Diagnostics Laboratory, The Hospital for Sick Children
Classification: Pathogenic for Cystic fibrosis. Last evaluated: 2021-04-30. Review status: criteria provided, single submitter. Criteria: ACMG Guidelines, 2015. Collection method: clinical testing. Allele origin: germline. Not counted in ClinVar's aggregate classification.

AiLife Diagnostics
Classification: Pathogenic. Last evaluated: 2020-07-18. Review status: criteria provided, single submitter. Criteria: ACMG Guidelines, 2015. Collection method: clinical testing. Allele origin: germline. Affected: yes. Observed: 1 variant allele. Not counted in ClinVar's aggregate classification.

Myriad Genetics, Inc.
Classification: Pathogenic for Cystic fibrosis. Last evaluated: 2019-11-12. Review status: criteria provided, single submitter. Criteria: Myriad Women's Health Autosomal Recessive and X-Linked Classification Criteria (2019). Collection method: clinical testing. Allele origin: unknown. Not counted in ClinVar's aggregate classification.
Comment: NM_000492.3(CFTR):c.617T>G(L206W) is classified as pathogenic in the context of cystic fibrosis and is associated with the non-classic form of disease. Sources cited for classification include the following: PMID 23974870, 15776432, and 18456578. Classification of NM_000492.3(CFTR):c.617T>G(L206W) is based on the following criteria: This is a well-established pathogenic variant in the literature that has been observed more frequently in patients with clinical diagnoses than in healthy populations. Please note: this variant was assessed in the context of healthy population screening.

Johns Hopkins Genomics, Johns Hopkins University
Classification: Pathogenic for Cystic fibrosis. Last evaluated: 2019-10-04. Review status: criteria provided, single submitter. Criteria: ACMG Guidelines, 2015. Collection method: clinical testing. Allele origin: germline. Not counted in ClinVar's aggregate classification.
Comment: See CFTR2 for phenotype information.

Mendelics
Classification: Pathogenic for Cystic fibrosis. Last evaluated: 2018-11-05. Review status: criteria provided, single submitter. Criteria: Mendelics Assertion Criteria 2017. Collection method: clinical testing. Allele origin: unknown. Affected: yes. Not counted in ClinVar's aggregate classification.

Undiagnosed Diseases Network, NIH
Classification: Pathogenic for Cystic fibrosis. Last evaluated: 2018-07-22. Review status: criteria provided, single submitter. Criteria: ACMG Guidelines, 2015. Collection method: clinical testing. Allele origin: paternal. Inheritance: Autosomal recessive inheritance. Affected: yes. Observed: 1 variant allele, 1 compound heterozygote. Study: Undiagnosed Diseases Network (NIH), UDN. Not counted in ClinVar's aggregate classification.

CFTR-France
Classification: Pathogenic for cystic fibrosis; CFTR-related disorders. Last evaluated: 2018-01-29. Review status: criteria provided, single submitter. Criteria: Claustres M et al. (Hum Mutat 2017). Collection method: curation. Allele origin: germline. Affected: yes. Not counted in ClinVar's aggregate classification.
Comment: when the variant is in trans with another CF-causing variation, can either result in CF or in a CFTR-RD

Women's Health and Genetics/Laboratory Corporation of America, LabCorp
Classification: Pathogenic for Cystic fibrosis. Last evaluated: 2017-08-18. Review status: criteria provided, single submitter. Criteria: LabCorp Variant Classification Summary - May 2015. Collection method: clinical testing. Allele origin: germline. Not counted in ClinVar's aggregate classification.
Comment: Variant summary: c.617T>G affects a conserved nucleotide, resulting in amino acid change from Leu to Trp. 5/5 in-silico tools predict this variant to be damaging. This variant was found in 27/121506 control chromosomes at a frequency of 0.0002222, which does not exceed the maximal expected frequency of a pathogenic allele (0.0129603). This variant has been reported in multiple CF patients worldwide. Functional studies showed the variant of interest with only about 5% of WT level of [Cl-] transport and defective CFTR processing and maturation (Sosnay_2013 and Van Goor_2014). In addition, multiple clinical laboratories/reputable databases classified this variant as pathogenic. Taken together, this variant was classified as a Pathogenic.